The following is an entry in ClinVar:

NM_005012.4(ROR1):c.619A>C (p.Thr207Pro)

Gene: ROR1 (receptor tyrosine kinase like orphan receptor 1; plus strand). Cytogenetic location: 1p31.3.
Variant type: single nucleotide variant.
Coding change: c.619A>C on transcript NM_005012.4 (MANE Select); coding-DNA position 619, A replaced by C.
Protein change: p.Thr207Pro; replaces threonine 207 with proline.
Molecular consequence: missense variant.
Genome position (GRCh38, 1-based): chr1:64,140,117, A>C. VCF-style: chr1-64140117-A-C. GRCh37 (hg19) VCF-style: chr1-64605800-A-C.
Other names: c.619A>C, p.Thr207Pro (NM_001083592.2); short protein forms T207P.
Identifiers: ClinVar variation 2049205 (VCV002049205.4), dbSNP rs762201037, ClinGen allele CA340645317.

ClinVar aggregate classification (germline): Uncertain significance (1 of 4 stars; one submission).

Submission:

Labcorp Genetics (formerly Invitae), Labcorp
Classification: Uncertain significance. Last evaluated: 2023-08-10. Review status: criteria provided, single submitter. Criteria: Invitae Variant Classification Sherloc (09022015). Collection method: clinical testing. Allele origin: germline.
Comment: This sequence change replaces threonine, which is neutral and polar, with proline, which is neutral and non-polar, at codon 207 of the ROR1 protein (p.Thr207Pro). This variant is not present in population databases (gnomAD no frequency). This variant has not been reported in the literature in individuals affected with ROR1-related conditions. ClinVar contains an entry for this variant (Variation ID: 2049205). Advanced modeling of protein sequence and biophysical properties (such as structural, functional, and spatial information, amino acid conservation, physicochemical variation, residue mobility, and thermodynamic stability) performed at Invitae indicates that this missense variant is expected to disrupt ROR1 protein function. In summary, the available evidence is currently insufficient to determine the role of this variant in disease. Therefore, it has been classified as a Variant of Uncertain Significance.